The following is an entry in ClinVar:

NM_000264.5(PTCH1):c.1216-6C>A

Gene: PTCH1 (patched 1; minus strand). Cytogenetic location: 9q22.32.
Variant type: single nucleotide variant.
Coding change: c.1216-6C>A on transcript NM_000264.5 (MANE Select); 6 bases into the intron before coding-DNA position 1216, C replaced by A.
Molecular consequence: intron variant.
Genome position (GRCh38, 1-based): chr9:95,478,192, G>T on the plus strand (C>A on the coding strand, the complement: PTCH1 is on the minus strand). VCF-style: chr9-95478192-G-T. GRCh37 (hg19) VCF-style: chr9-98240474-G-T.
Other names: c.1213-6C>A (NM_001083603.3); c.1018-6C>A (NM_001083602.3); c.1216-6C>A (NM_001354918.2); c.763-6C>A (NM_001083605.3, NM_001083604.3, NM_001083606.3 and 1 more transcripts).
Identifiers: ClinVar variation 216368 (VCV000216368.52), dbSNP rs186008764, ClinGen allele CA336999.
Genomic context (GRCh38, chr9:95,478,192, plus strand): 5'-TGGTGAAGGAAAGCACCTTTTGAGTGGAGTTCTGTGCGACACTCTGATGAACCACCTGTG[G>T]TCACAACAGAATGCGAAATGCCCAAATGCAATGAACACTTCCACAAGCCTCGACAGCACA-3'

ClinVar aggregate classification (germline): Conflicting classifications of pathogenicity. Review status: criteria provided, conflicting classifications (1 of 4 stars). 13 submissions from 12 submitters: Uncertain significance (1); Benign (4); Likely benign (7). 1 of the submissions does not count toward it. Last evaluated 2026-02-03.

Conditions:
Hereditary cancer-predisposing syndrome. Also called: Tumor predisposition; Neoplastic Syndromes, Hereditary; Hereditary Cancer Syndrome; Hereditary neoplastic syndrome. Identifiers: Orphanet 140162, MedGen C0027672, MeSH D009386, MONDO:0015356.
Intellectual disability. Also called: Intellectual functioning disability; intellectual disabilities; Intellectual developmental disorder. Identifiers: MedGen C3714756, MeSH D008607, MONDO:0001071, HP:0001249.
Holoprosencephaly 7 (HPE7). Identifiers: Orphanet 2162, MedGen C1835820, MONDO:0012562, OMIM 610828.
PTCH1-related disorder. Also called: PTCH1-related disorders; PTCH1-related condition.
Gorlin syndrome. Also called: Basal cell nevus syndrome; Nevoid Basal Cell Carcinoma Syndrome. Identifiers: Orphanet 377, MedGen C0004779, MONDO:0007187.

Allele frequency attached by ClinVar (database versions not stated): 1000 Genomes Project 30x 0.00016; 1000 Genomes Project 0.00020; ESP Exome Variant Server 0.00023; TOPMed 0.00026; gnomAD 0.00027 and 0.00028; gnomAD exomes 0.00036 and 0.00047; ExAC 0.00045.
gnomAD v4.1: 715 of 1,614,160 alleles (0.044%); highest among the groups gnomAD compares: Non-Finnish European, 0.056%; no homozygotes.

Submissions (14):

Labcorp Genetics (formerly Invitae), Labcorp
Classification: Benign for Gorlin syndrome. Last evaluated: 2026-02-03. Review status: criteria provided, single submitter. Criteria: Invitae Variant Classification Sherloc (09022015). Collection method: clinical testing. Allele origin: germline.

Women's Health and Genetics/Laboratory Corporation of America, LabCorp
Classification: Benign. Last evaluated: 2025-05-30. Review status: criteria provided, single submitter. Criteria: LabCorp Variant Classification Summary - May 2015. Collection method: clinical testing. Allele origin: germline.
Comment: Variant summary: PTCH1 c.1216-6C>A alters a nucleotide located at a position not widely known to affect splicing. Several computational tools predict a significant impact on normal splicing: Two predict the variant weakens a 3' acceptor site. One predict the variant abolishes a 3' acceptor site. However, these predictions have yet to be confirmed by functional studies. The variant allele was found at a frequency of 0.00036 in 251486 control chromosomes. The observed variant frequency is approximately 21.11 fold of the estimated maximal expected allele frequency for a pathogenic variant in PTCH1 causing Nevoid Basal Cell Carcinoma Syndrome (Gorlin Syndrome) phenotype (1.7e-05). c.1216-6C>A has been observed in an individual affected with hereditary breast and/or ovarian cancer who also carried variants in other cancer related genes (Schubert_2019). These report(s) do not provide unequivocal conclusions about association of the variant with Nevoid Basal Cell Carcinoma Syndrome (Gorlin Syndrome). To our knowledge, no experimental evidence demonstrating an impact on protein function has been reported. This variant is also known as c.1018-6C>A. The following publication has been ascertained in the context of this evaluation (PMID: 30426508). ClinVar contains an entry for this variant (Variation ID: 216368). Based on the evidence outlined above, the variant was classified as benign.

Center for Genomic Medicine, Rigshospitalet, Copenhagen University Hospital
Classification: Likely benign. Last evaluated: 2025-03-04. Review status: criteria provided, single submitter. Criteria: ACMG Guidelines, 2015. Collection method: clinical testing. Allele origin: germline.

CeGaT Center for Human Genetics Tuebingen
Classification: Likely benign. Last evaluated: 2025-02-01. Review status: criteria provided, single submitter. Criteria: CeGaT Center For Human Genetics Tuebingen Variant Classification Criteria Version 2. Collection method: clinical testing. Allele origin: germline. Affected: yes. Observed: 7 variant alleles.
Comment: PTCH1: BP4

Blueprint Genetics
Classification: Likely benign. Last evaluated: 2024-11-27. Review status: criteria provided, single submitter. Criteria: ACMG Guidelines, 2015. Collection method: clinical testing. Allele origin: germline.

ARUP Laboratories, Molecular Genetics and Genomics, ARUP Laboratories
Classification: Likely benign. Last evaluated: 2024-04-10. Review status: criteria provided, single submitter. Criteria: ARUP Molecular Germline Variant Investigation Process 2024. Collection method: clinical testing. Allele origin: germline.

Sema4
Classification: Likely benign for Hereditary cancer-predisposing syndrome. Last evaluated: 2021-12-20. Review status: criteria provided, single submitter. Criteria: Sema4 Curation Guidelines. Collection method: curation. Allele origin: germline.

Quest Diagnostics Nichols Institute San Juan Capistrano
Classification: Benign. Last evaluated: 2021-08-31. Review status: criteria provided, single submitter. Criteria: Quest Diagnostics criteria. Collection method: clinical testing. Allele origin: unknown.

Cambridge Genomics Laboratory, East Genomic Laboratory Hub, NHS Genomic Medicine Service
Classification: Uncertain significance for Intellectual disability. Last evaluated: 2020-04-29. Review status: criteria provided, single submitter. Criteria: ACGS Best Practice Guidelines for Variant Classification in Rare Disease 2020. Collection method: clinical testing. Allele origin: germline. Affected: yes. Observed: 1 variant allele.

Illumina Laboratory Services, Illumina
Classification: Benign for Basal cell nevus syndrome 1. Last evaluated: 2018-01-13. Review status: criteria provided, single submitter. Criteria: ICSL Variant Classification Criteria 13 December 2019. Collection method: clinical testing. Allele origin: germline.
Comment: This variant was observed in the ICSL laboratory as part of a predisposition screen in an ostensibly healthy population. It had not been previously curated by ICSL or reported in the Human Gene Mutation Database (HGMD: prior to June 1st, 2018), and was therefore a candidate for classification through an automated scoring system. Utilizing variant allele frequency, disease prevalence and penetrance estimates, and inheritance mode, an automated score was calculated to assess if this variant is too frequent to cause the disease. Based on the score and internal cut-off values, a variant classified as benign is not then subjected to further curation. The score for this variant resulted in a classification of benign for this disease.

Illumina Laboratory Services, Illumina
Classification: Likely benign for Holoprosencephaly 7. Last evaluated: 2018-01-13. Review status: criteria provided, single submitter. Criteria: ICSL Variant Classification Criteria 13 December 2019. Collection method: clinical testing. Allele origin: germline.
Comment: This variant was observed in the ICSL laboratory as part of a predisposition screen in an ostensibly healthy population. It had not been previously curated by ICSL or reported in the Human Gene Mutation Database (HGMD: prior to June 1st, 2018), and was therefore a candidate for classification through an automated scoring system. Utilizing variant allele frequency, disease prevalence and penetrance estimates, and inheritance mode, an automated score was calculated to assess if this variant is too frequent to cause the disease. Based on the score and internal cut-off values, a variant classified as likely benign is not then subjected to further curation. The score for this variant resulted in a classification of likely benign for this disease.

Center for Pediatric Genomic Medicine, Children's Mercy Hospital and Clinics
Classification: Likely benign. Last evaluated: 2017-08-31. Review status: criteria provided, single submitter. Criteria: ACMG Guidelines, 2015. Collection method: clinical testing. Allele origin: germline.

PreventionGenetics, part of Exact Sciences
Classification: Likely benign for PTCH1-related condition. Last evaluated: 2024-01-30. Review status: no assertion criteria provided. Collection method: clinical testing. Allele origin: germline. Not counted in ClinVar's aggregate classification.
Comment: This variant is classified as likely benign based on ACMG/AMP sequence variant interpretation guidelines (Richards et al. 2015 PMID: 25741868, with internal and published modifications).

Dr. Peter K. Rogan Lab, Western University
No classification provided (evidence only). Condition: Familial pancreatic carcinoma. Review status: no classification provided. Collection method: in vitro. Allele origin: not applicable. Functional consequence: retained intron. Not counted in ClinVar's aggregate classification.

Literature cited by the submitters: PubMed 30426508 (cited by Women's Health and Genetics/Laboratory Corporation of America, LabCorp).